The following is an entry in ClinVar:

NM_003072.5(SMARCA4):c.126G>T (p.Met42Ile)

Gene: SMARCA4 (SWI/SNF related BAF chromatin remodeling complex subunit ATPase 4; plus strand). Cytogenetic location: 19p13.2.
Variant type: single nucleotide variant.
Coding change: c.126G>T on transcript NM_003072.5 (MANE Select); coding-DNA position 126, G replaced by T.
Protein change: p.Met42Ile; replaces methionine 42 with isoleucine.
Molecular consequence: missense variant. On other transcripts: non-coding transcript variant (1).
Genome position (GRCh38, 1-based): chr19:10,984,277, G>T. VCF-style: chr19-10984277-G-T. GRCh37 (hg19) VCF-style: chr19-11094953-G-T.
Other names: c.126G>T, p.Met42Ile (NM_001128844.3, NM_001374457.1, NM_001128847.4 and 5 more transcripts); short protein forms M42I.
Identifiers: ClinVar variation 480556 (VCV000480556.18), dbSNP rs765325777, ClinGen allele CA404054348.

ClinVar aggregate classification (germline): Conflicting classifications of pathogenicity. Review status: criteria provided, conflicting classifications (1 of 4 stars). 4 submissions from 4 submitters: Uncertain significance (3); Likely benign (1). Last evaluated 2024-08-05.

Conditions:
Hereditary cancer-predisposing syndrome. Also called: Hereditary Cancer Syndrome; Neoplastic Syndromes, Hereditary; Tumor predisposition; Hereditary neoplastic syndrome. Identifiers: Orphanet 140162, MedGen C0027672, MeSH D009386, MONDO:0015356.
Intellectual disability, autosomal dominant 16 (CSS4). Also called: COFFIN-SIRIS SYNDROME 4. Identifiers: Orphanet 1465, MedGen C3553249, MONDO:0013821, OMIM 614609.
Rhabdoid tumor predisposition syndrome 2 (RTPS2). Identifiers: Orphanet 231108, Orphanet 69077, MedGen C2750074, MONDO:0013224, OMIM 613325.

gnomAD v4.1: 1 of 1,610,920 alleles (0.000062%); highest among the groups gnomAD compares: Non-Finnish European, 0.000085%; no homozygotes.

Submissions (4):

Labcorp Genetics (formerly Invitae), Labcorp
Classification: Uncertain significance for Rhabdoid tumor predisposition syndrome 2. Last evaluated: 2024-08-05. Review status: criteria provided, single submitter. Criteria: Invitae Variant Classification Sherloc (09022015). Collection method: clinical testing. Allele origin: germline.
Comment: This sequence change replaces methionine, which is neutral and non-polar, with isoleucine, which is neutral and non-polar, at codon 42 of the SMARCA4 protein (p.Met42Ile). This variant is not present in population databases (gnomAD no frequency). This variant has not been reported in the literature in individuals affected with SMARCA4-related conditions. ClinVar contains an entry for this variant (Variation ID: 480556). An algorithm developed to predict the effect of missense changes on protein structure and function outputs the following: PolyPhen-2: "Not Available". The isoleucine amino acid residue is found in multiple mammalian species, which suggests that this missense change does not adversely affect protein function. In summary, the available evidence is currently insufficient to determine the role of this variant in disease. Therefore, it has been classified as a Variant of Uncertain Significance.

Ambry Genetics
Classification: Likely benign for Hereditary cancer-predisposing syndrome. Last evaluated: 2023-10-10. Review status: criteria provided, single submitter. Criteria: Ambry Variant Classification Scheme 2023. Collection method: clinical testing. Allele origin: germline.

Baylor Genetics
Classification: Uncertain significance for Rhabdoid tumor predisposition syndrome 2. Last evaluated: 2023-07-29. Review status: criteria provided, single submitter. Criteria: ACMG Guidelines, 2015. Collection method: clinical testing. Allele origin: unknown.

Genome-Nilou Lab
Classification: Uncertain significance for Intellectual disability, autosomal dominant 16. Last evaluated: 2021-07-15. Review status: criteria provided, single submitter. Criteria: ACMG Guidelines, 2015. Collection method: clinical testing. Allele origin: germline. Affected: no.